The following is an entry in ClinVar:

NM_000051.4(ATM):c.3285-13del

Gene: ATM (ATM serine/threonine kinase; plus strand). Cytogenetic location: 11q22.3.
Variant type: Deletion.
Coding change: c.3285-13del on transcript NM_000051.4 (MANE Select); 13 bases into the intron before coding-DNA position 3285, one base deleted (T; older notation c.3285-13delT).
Molecular consequence: intron variant.
Genome position (GRCh38, 1-based): chr11:108,279,478, T deleted; the last of 2 consecutive T bases (chr11:108,279,477-108,279,478); deleting either gives the same sequence. VCF-style (leftmost placement, unchanged base first): chr11-108279476-CT-C. GRCh37 (hg19) VCF-style: chr11-108150203-CT-C.
Other names: c.3285-14delT (NM_000051.3); c.3285-13del (NM_001351834.2).
Identifiers: ClinVar variation 490523 (VCV000490523.12), dbSNP rs1245305174, ClinGen allele CA658683774.

ClinVar aggregate classification (germline): Likely benign. Review status: criteria provided, multiple submitters, no conflicts (2 of 4 stars). 3 submissions from 3 submitters: Likely benign (3). Last evaluated 2025-11-10.

Conditions:
Hereditary cancer-predisposing syndrome. Also called: Tumor predisposition; Neoplastic Syndromes, Hereditary; Hereditary Cancer Syndrome; Hereditary neoplastic syndrome. Identifiers: Orphanet 140162, MedGen C0027672, MeSH D009386, MONDO:0015356.
Familial cancer of breast. Also called: BREAST CANCER, FAMILIAL; hereditary breast carcinoma; Hereditary breast cancer. Identifiers: Orphanet 227535, MedGen C0346153, MONDO:0016419, OMIM 114480. Disease mechanism: loss of function.
Ataxia-telangiectasia syndrome (AT). Also called: Ataxia-telangiectasia; Ataxia-telangiectasia, complementation group D; AT, COMPLEMENTATION GROUP C; LOUIS-BAR SYNDROME; Cerebello-oculocutaneous telangiectasia; Immunodeficiency with ataxia telangiectasia. Identifiers: Orphanet 100, MedGen C0004135, MONDO:0008840, OMIM 208900.

Submissions (3):

Labcorp Genetics (formerly Invitae), Labcorp
Classification: Likely benign for Ataxia-telangiectasia syndrome. Last evaluated: 2025-11-10. Review status: criteria provided, single submitter. Criteria: Invitae Variant Classification Sherloc (09022015). Collection method: clinical testing. Allele origin: germline.

Myriad Genetics, Inc.
Classification: Likely benign for Familial cancer of breast. Last evaluated: 2024-05-14. Review status: criteria provided, single submitter. Criteria: Myriad Autosomal Dominant, Autosomal Recessive and X-Linked Classification Criteria (2023). Collection method: clinical testing. Allele origin: unknown.
Comment: This variant is considered likely benign. This variant is intronic and is not expected to impact mRNA splicing.

Color Diagnostics, LLC DBA Color Health
Classification: Likely benign for Hereditary cancer-predisposing syndrome. Last evaluated: 2017-08-21. Review status: criteria provided, single submitter. Criteria: ACMG Guidelines, 2015. Collection method: clinical testing. Allele origin: germline.